The following is an entry in ClinVar:

ClinVar aggregate classification (germline): Uncertain significance (1 of 4 stars; one submission).

Conditions:
CTCF-related neurodevelopmental disorder. Also called: INTELLECTUAL DEVELOPMENTAL DISORDER, AUTOSOMAL DOMINANT 21; Intellectual disability-feeding difficulties-developmental delay-microcephaly syndrome. Identifiers: Orphanet 363611, MedGen C3809686, MONDO:0014213, OMIM 615502.

Submission:

Juno Genomics, Hangzhou Juno Genomics, Inc
Classification: Uncertain significance for CTCF-related neurodevelopmental disorder. Review status: criteria provided, single submitter. Criteria: ACMG Guidelines, 2015. Collection method: clinical testing. Allele origin: germline.
Comment: Absent from controls (or at extremely low frequency if recessive) in Genome Aggregation Database.;Protein length changes due to in-frame deletions/insertions in a non-repeat region or stop-loss variants.

NM_006565.4(CTCF):c.1775AGA[1] (p.Lys593del)

Gene: CTCF (CCCTC-binding factor; plus strand). Cytogenetic location: 16q22.1.
Variant type: Microsatellite.
Coding change: c.1775AGA[1] on transcript NM_006565.4 (MANE Select); one copy of the 3-base unit AGA starting at c.1775; the reference has two copies in a row; one copy, 3 bases deleted; also written c.1778_1780del.
Protein change: p.Lys593del; deletes lysine 593.
Molecular consequence: inframe deletion.
Genome position (GRCh38, 1-based): chr16:67,629,474-67,629,476, AGA deleted; deleting any 3 consecutive bases within chr16:67,629,469-67,629,476 gives the same sequence; the position shown is the placement nearest the transcript's 3' end. VCF-style (leftmost placement, unchanged base first): chr16-67629468-CGAA-C. GRCh37 (hg19) VCF-style: chr16-67663371-CGAA-C.
Other names: c.791AGA[1], p.Lys265del (NM_001191022.2); c.1775AGA[1], p.Lys593del (NM_001363916.2, NM_001438968.1, NM_001438969.1); c.1778_1780del (NM_006565.4); short protein forms K593del, K265del.
Identifiers: ClinVar variation 5005615 (VCV005005615.2).